The following is an entry in ClinVar:

ClinVar aggregate classification (germline): Uncertain significance. Review status: criteria provided, multiple submitters, no conflicts (2 of 4 stars). 2 submissions from 2 submitters: Uncertain significance (2). Last evaluated 2024-10-26.

Allele frequency attached by ClinVar (database versions not stated): gnomAD 0.00001; TOPMed 0.00001.

Submissions (2):

Labcorp Genetics (formerly Invitae), Labcorp
Classification: Uncertain significance. Last evaluated: 2024-10-26. Review status: criteria provided, single submitter. Criteria: Invitae Variant Classification Sherloc (09022015). Collection method: clinical testing. Allele origin: germline.
Comment: This sequence change replaces isoleucine, which is neutral and non-polar, with valine, which is neutral and non-polar, at codon 1802 of the ABCA4 protein (p.Ile1802Val). This variant is present in population databases (no rsID available, gnomAD 0.003%). This missense change has been observed in individual(s) with clinical features of retinal dystrophy (PMID: 32307445; internal data). ClinVar contains an entry for this variant (Variation ID: 1052497). Invitae Evidence Modeling of protein sequence and biophysical properties (such as structural, functional, and spatial information, amino acid conservation, physicochemical variation, residue mobility, and thermodynamic stability) has been performed for this missense variant. However, the output from this modeling did not meet the statistical confidence thresholds required to predict the impact of this variant on ABCA4 protein function. In summary, the available evidence is currently insufficient to determine the role of this variant in disease. Therefore, it has been classified as a Variant of Uncertain Significance.

Women's Health and Genetics/Laboratory Corporation of America, LabCorp
Classification: Uncertain significance. Last evaluated: 2024-05-31. Review status: criteria provided, single submitter. Criteria: LabCorp Variant Classification Summary - May 2015. Collection method: clinical testing. Allele origin: germline.
Comment: Variant summary: ABCA4 c.5404A>G (p.Ile1802Val) results in a conservative amino acid change located in the ABC-2 type transporter, transmembrane domain (IPR013525) of the encoded protein sequence. Four of five in-silico tools predict a benign effect of the variant on protein function. The variant was absent in 251470 control chromosomes. The available data on variant occurrences in the general population are insufficient to allow any conclusion about variant significance. c.5404A>G has been reported in the literature in at least one heterozygous individual affected with Stargardt disease without detected second variant (e.g. Khan_2020). This report does not provide unequivocal conclusions about association of the variant with Retinitis Pigmentosa. To our knowledge, no experimental evidence demonstrating an impact on protein function has been reported. The following publication has been ascertained in the context of this evaluation (PMID: 32307445). ClinVar contains an entry for this variant (Variation ID: 1052497). Based on the evidence outlined above, the variant was classified as uncertain significance.

Literature cited by the submitters: PubMed 32307445 (cited by Labcorp Genetics (formerly Invitae), Labcorp and Women's Health and Genetics/Laboratory Corporation of America, LabCorp).

NM_000350.3(ABCA4):c.5404A>G (p.Ile1802Val)

Gene: ABCA4 (ATP binding cassette subfamily A member 4; minus strand). Cytogenetic location: 1p22.1.
Variant type: single nucleotide variant.
Coding change: c.5404A>G on transcript NM_000350.3 (MANE Select); coding-DNA position 5404, A replaced by G.
Protein change: p.Ile1802Val; replaces isoleucine 1802 with valine.
Molecular consequence: missense variant.
Genome position (GRCh38, 1-based): chr1:94,014,599, T>C on the plus strand (A>G on the coding strand, the complement: ABCA4 is on the minus strand). VCF-style: chr1-94014599-T-C. GRCh37 (hg19) VCF-style: chr1-94480155-T-C.
Other names: c.5182A>G, p.Ile1728Val (NM_001425324.1); short protein forms I1802V, I1728V.
Identifiers: ClinVar variation 1052497 (VCV001052497.9), dbSNP rs974596881, ClinGen allele CA26842102.